The following is an entry in ClinVar:

NM_017849.4(TMEM127):c.376A>G (p.Thr126Ala)

Gene: TMEM127 (transmembrane protein 127; minus strand). Cytogenetic location: 2q11.2.
Variant type: single nucleotide variant.
Coding change: c.376A>G on transcript NM_017849.4 (MANE Select); coding-DNA position 376, A replaced by G.
Protein change: p.Thr126Ala; replaces threonine 126 with alanine.
Molecular consequence: missense variant.
Genome position (GRCh38, 1-based): chr2:96,254,866, T>C on the plus strand (A>G on the coding strand, the complement: TMEM127 is on the minus strand). VCF-style: chr2-96254866-T-C. GRCh37 (hg19) VCF-style: chr2-96920604-T-C.
Other names: c.376A>G, p.Thr126Ala (NM_001193304.3); c.124A>G, p.Thr42Ala (NM_001407282.1, NM_001407283.1); short protein forms T126A, T42A.
Identifiers: ClinVar variation 1734737 (VCV001734737.3), dbSNP rs1684169726, ClinGen allele CA347653310.
Genomic context (GRCh38, chr2:96,254,866, plus strand): 5'-CCCACTGTGAGCAGGCTCACGGCTTACCCGTTAGGATATGGGCGAAGGCATAGCGACGAG[T>C]GATCTTCAGAGCAGGATGCTTCGGCCCAAAGACATCCAGAAGGAAAGCGGAGAGACTACA-3'
Protein context (NP_060319.1, residues 116-136): FGPKHPALKI[Thr126Ala]RRYAFAHILT

ClinVar aggregate classification (germline): Uncertain significance (1 of 4 stars; one submission).

Conditions:
Hereditary cancer-predisposing syndrome. Also called: Neoplastic Syndromes, Hereditary; Tumor predisposition; Hereditary Cancer Syndrome; Hereditary neoplastic syndrome. Identifiers: Orphanet 140162, MedGen C0027672, MeSH D009386, MONDO:0015356.

Submission:

Ambry Genetics
Classification: Uncertain significance for Hereditary cancer-predisposing syndrome. Last evaluated: 2024-08-30. Review status: criteria provided, single submitter. Criteria: Ambry Variant Classification Scheme 2023. Collection method: clinical testing. Allele origin: germline.
Comment: The p.T126A variant (also known as c.376A>G), located in coding exon 2 of the TMEM127 gene, results from an A to G substitution at nucleotide position 376. The threonine at codon 126 is replaced by alanine, an amino acid with similar properties. This amino acid position is highly conserved in available vertebrate species. In addition, this alteration is predicted to be deleterious by in silico analysis. Based on the available evidence, the clinical significance of this variant remains unclear.